The following is an entry in ClinVar:

ClinVar aggregate classification (germline): Uncertain significance. Review status: criteria provided, multiple submitters, no conflicts (2 of 4 stars). 2 submissions from 2 submitters: Uncertain significance (2). Last evaluated 2024-10-29.

Conditions:
Joubert syndrome 23 (JBTS23). Identifiers: Orphanet 475, MedGen C4084822, MONDO:0014664, OMIM 616490.
Short-rib thoracic dysplasia 14 with polydactyly (SRTD14). Identifiers: Orphanet 397715, MedGen C4225286, MONDO:0014688, OMIM 616546.

Allele frequency attached by ClinVar (database versions not stated): ExAC 0.00002; gnomAD exomes 0.00003 and 0.00008; TOPMed 0.00004; gnomAD 0.00006; ESP Exome Variant Server 0.00008.
gnomAD v4.1: 119 of 1,608,494 alleles (0.0074%); highest among the groups gnomAD compares: Non-Finnish European, 0.0096%; no homozygotes.

Submissions (2):

Labcorp Genetics (formerly Invitae), Labcorp
Classification: Uncertain significance for Joubert syndrome 23; Short-rib thoracic dysplasia 14 with polydactyly. Last evaluated: 2024-10-29. Review status: criteria provided, single submitter. Criteria: Invitae Variant Classification Sherloc (09022015). Collection method: clinical testing. Allele origin: germline.
Comment: This sequence change replaces aspartic acid, which is acidic and polar, with glutamic acid, which is acidic and polar, at codon 692 of the KIAA0586 protein (p.Asp692Glu). This variant is present in population databases (rs376649351, gnomAD 0.007%). This variant has not been reported in the literature in individuals affected with KIAA0586-related conditions. ClinVar contains an entry for this variant (Variation ID: 1016412). Invitae Evidence Modeling of protein sequence and biophysical properties (such as structural, functional, and spatial information, amino acid conservation, physicochemical variation, residue mobility, and thermodynamic stability) indicates that this missense variant is expected to disrupt KIAA0586 protein function with a positive predictive value of 80%. In summary, the available evidence is currently insufficient to determine the role of this variant in disease. Therefore, it has been classified as a Variant of Uncertain Significance.

Blueprint Genetics
Classification: Uncertain significance. Last evaluated: 2021-12-29. Review status: criteria provided, single submitter. Criteria: ACMG Guidelines, 2015. Collection method: clinical testing. Allele origin: germline.

NM_001329943.3(KIAA0586):c.1917T>G (p.Asp639Glu)

Gene: KIAA0586 (KIAA0586; plus strand). Cytogenetic location: 14q23.1.
Variant type: single nucleotide variant.
Coding change: c.1917T>G on transcript NM_001329943.3 (MANE Select); coding-DNA position 1917, T replaced by G.
Protein change: p.Asp639Glu; replaces aspartic acid 639 with glutamic acid.
Molecular consequence: missense variant.
Genome position (GRCh38, 1-based): chr14:58,461,018, T>G. VCF-style: chr14-58461018-T-G. GRCh37 (hg19) VCF-style: chr14-58927736-T-G.
Other names: c.2076T>G, p.Asp692Glu (NM_001244189.2); c.1872T>G, p.Asp624Glu (NM_001244190.2); c.1662T>G, p.Asp554Glu (NM_001244191.2, NM_001329945.2, NM_001364700.1 and 1 more transcripts); c.1785T>G, p.Asp595Glu (NM_001244192.2); c.1497T>G, p.Asp499Glu (NM_001244193.2); c.1917T>G, p.Asp639Glu (NM_001329944.2, NM_001329946.2, NM_001329947.2); c.1689T>G, p.Asp563Glu (NM_014749.5); short protein forms D499E, D554E, D563E, D595E, D624E, D639E, D692E.
Identifiers: ClinVar variation 1016412 (VCV001016412.6), dbSNP rs376649351, ClinGen allele CA7205734.